The following is an entry in ClinVar:

ClinVar aggregate classification (germline): Pathogenic. Review status: criteria provided, single submitter (1 of 4 stars). 2 submissions from 2 submitters: Pathogenic (1). 1 of the submissions does not count toward it. Last evaluated 2024-12-09.

Conditions:
Neurofibromatosis, type 1 (NF1). Also called: Neurofibromatosis, type I; NEUROFIBROMATOSIS, TYPE I, SOMATIC; Peripheral type neurofibromatosis; VON RECKLINGHAUSEN DISEASE. Identifiers: Orphanet 636, MedGen C0027831, MONDO:0018975, OMIM 162200. Disease mechanism: loss of function.

Submissions (2):

Labcorp Genetics (formerly Invitae), Labcorp
Classification: Pathogenic for Neurofibromatosis, type 1. Last evaluated: 2024-12-09. Review status: criteria provided, single submitter. Criteria: Invitae Variant Classification Sherloc (09022015). Collection method: clinical testing. Allele origin: germline.
Comment: This sequence change creates a premature translational stop signal (p.Ala264Glnfs*17) in the NF1 gene. It is expected to result in an absent or disrupted protein product. Loss-of-function variants in NF1 are known to be pathogenic (PMID: 10712197, 23913538). This variant is not present in population databases (gnomAD no frequency). This premature translational stop signal has been observed in individual(s) with neurofibromatosis type I (PMID: 28961165). ClinVar contains an entry for this variant (Variation ID: 431569). For these reasons, this variant has been classified as Pathogenic.

Medical Genetics, University of Parma
Classification: Pathogenic for Neurofibromatosis type 1. Last evaluated: 2017-02-02. Review status: no assertion criteria provided. Collection method: clinical testing. Allele origin: germline. Affected: yes. Not counted in ClinVar's aggregate classification.

Literature cited by the submitters: PubMed 10712197 (cited by Labcorp Genetics (formerly Invitae), Labcorp); PubMed 23913538 (cited by Labcorp Genetics (formerly Invitae), Labcorp); PubMed 28961165 (cited by Labcorp Genetics (formerly Invitae), Labcorp).

NM_001042492.3(NF1):c.789del (p.Ala264fs)

Gene: NF1 (neurofibromin 1; plus strand). Cytogenetic location: 17q11.2.
Variant type: Deletion.
Coding change: c.789del on transcript NM_001042492.3 (MANE Select); coding-DNA position 789, one base deleted (A; older notation c.789delA).
Protein change: p.Ala264fs; shifts the reading frame from alanine 264.
Molecular consequence: frameshift variant.
Genome position (GRCh38, 1-based): chr17:31,182,566, A deleted; the last of 3 consecutive A bases (chr17:31,182,564-31,182,566); deleting any one gives the same sequence. VCF-style (leftmost placement, unchanged base first): chr17-31182563-TA-T. GRCh37 (hg19) VCF-style: chr17-29509581-TA-T.
Other names: c.789delA, p.Ala264Glnfs (NM_000267.4, NM_001042492.2); c.789del, p.Ala264fs (NM_001128147.3); short protein forms A264fs.
Identifiers: ClinVar variation 431569 (VCV000431569.3), dbSNP rs1135402795, ClinGen allele CA645373080.